The following is an entry in ClinVar:

ClinVar aggregate classification (germline): Pathogenic (1 of 4 stars; one submission).

Conditions:
Hereditary spastic paraplegia 11. Also called: Spastic paraplegia, mental retardation and thin corpus callosum; SPASTIC PARAPLEGIA, AUTOSOMAL RECESSIVE, COMPLICATED, WITH THIN CORPUS CALLOSUM; SPASTIC PARAPLEGIA, AUTOSOMAL RECESSIVE, WITH MENTAL IMPAIRMENT AND THIN CORPUS CALLOSUM; Nakamura Osame syndrome; Autosomal recessive hereditary spastic paraplegia, mental impairment, and thin corpus callosum; Spastic Paraplegia 11. Identifiers: Orphanet 2822, MedGen C1858479, MONDO:0011445, OMIM 604360.

gnomAD v4.1: 1 of 1,614,118 alleles (0.000062%); highest among the groups gnomAD compares: Admixed American, 0.0017%; no homozygotes.

Submission:

Labcorp Genetics (formerly Invitae), Labcorp
Classification: Pathogenic for Hereditary spastic paraplegia 11. Last evaluated: 2018-05-19. Review status: criteria provided, single submitter. Criteria: Invitae Variant Classification Sherloc (09022015). Collection method: clinical testing. Allele origin: germline.
Comment: This sequence change creates a premature translational stop signal (p.Trp1455*) in the SPG11 gene. It is expected to result in an absent or disrupted protein product. This variant is not present in population databases (ExAC no frequency). This variant has not been reported in the literature in individuals with SPG11-related disease. Loss-of-function variants in SPG11 are known to be pathogenic (PMID: 19105190, 20110243, 22154821, 26556829). For these reasons, this variant has been classified as Pathogenic.

Literature cited by the submitters: PubMed 19105190; PubMed 20110243; PubMed 22154821; PubMed 26556829.

NM_025137.4(SPG11):c.4365G>A (p.Trp1455Ter)

Gene: SPG11 (SPG11 vesicle trafficking associated, spatacsin; minus strand). Cytogenetic location: 15q21.1.
Variant type: single nucleotide variant.
Coding change: c.4365G>A on transcript NM_025137.4 (MANE Select); coding-DNA position 4365, G replaced by A.
Protein change: p.Trp1455Ter; replaces tryptophan 1455 with a stop codon.
Molecular consequence: nonsense.
Genome position (GRCh38, 1-based): chr15:44,596,152, C>T on the plus strand (G>A on the coding strand, the complement: SPG11 is on the minus strand). VCF-style: chr15-44596152-C-T. GRCh37 (hg19) VCF-style: chr15-44888350-C-T.
Other names: c.4365G>A, p.Trp1455Ter (NM_001160227.2); short protein forms W1455*.
Identifiers: ClinVar variation 569547 (VCV000569547.6), dbSNP rs138103656, ClinGen allele CA392227558.
Genomic context (GRCh38, chr15:44,596,152, plus strand): 5'-TGAGGCCAGAACACTGAGGATAGGGGCCTGTTGTTTCACTGCTTCAACCAGAAGCCAGTG[C>T]CAGGAGTCTGGCTCCTCTGAGCATTGGAGCAGAATTTCAAATAAATCGGTCATCTCTTGT-3'